The following is an entry in ClinVar:

NM_015272.5(RPGRIP1L):c.2855_2856del (p.Ser952fs)

Gene: RPGRIP1L (RPGRIP1 like; minus strand). Cytogenetic location: 16q12.2.
Variant type: Microsatellite.
Coding change: c.2855_2856del on transcript NM_015272.5 (MANE Select); coding-DNA positions 2855 to 2856, 2 bases deleted (CT; older notation c.2855_2856delCT).
Protein change: p.Ser952fs; shifts the reading frame from serine 952.
Molecular consequence: frameshift variant.
Genome position (GRCh38, 1-based): chr16:53,641,303-53,641,304, AG deleted on the plus strand (CT on the coding strand, the reverse complement: RPGRIP1L is on the minus strand); deleting any 2 consecutive bases within chr16:53,641,303-53,641,306 gives the same sequence; the c. name uses the placement nearest the transcript's 3' end. VCF-style (leftmost placement, unchanged base first): chr16-53641302-CAG-C. GRCh37 (hg19) VCF-style: chr16-53675214-CAG-C.
Other names: c.2855_2856del, p.Ser952fs (NM_001127897.4, NM_001308334.3, NM_001330538.2); short protein forms S952fs.
Identifiers: ClinVar variation 1424221 (VCV001424221.6), dbSNP rs2151058791, ClinGen allele CA2580613478.

ClinVar aggregate classification (germline): Pathogenic (1 of 4 stars; one submission).

Conditions:
Joubert syndrome. Also called: CEREBELLOPARENCHYMAL DISORDER IV; JOUBERT-BOLTSHAUSER SYNDROME; Familial aplasia of the vermis. Identifiers: Orphanet 475, MedGen C5979921, MONDO:0018772.
Meckel-Gruber syndrome. Also called: DYSENCEPHALIA SPLANCHNOCYSTICA; GRUBER SYNDROME; Dysencephalia splachnocystica. Identifiers: Orphanet 564, MedGen C0265215, MONDO:0018921.

Submission:

Labcorp Genetics (formerly Invitae), Labcorp
Classification: Pathogenic for Joubert syndrome; Meckel-Gruber syndrome. Last evaluated: 2021-04-30. Review status: criteria provided, single submitter. Criteria: Invitae Variant Classification Sherloc (09022015). Collection method: clinical testing. Allele origin: germline.
Comment: For these reasons, this variant has been classified as Pathogenic. This variant has not been reported in the literature in individuals with RPGRIP1L-related conditions. This variant is not present in population databases (ExAC no frequency). This sequence change creates a premature translational stop signal (p.Ser952Cysfs*2) in the RPGRIP1L gene. It is expected to result in an absent or disrupted protein product. Loss-of-function variants in RPGRIP1L are known to be pathogenic (PMID: 17558409).

Literature cited by the submitters: PubMed 17558409.